The following is an entry in ClinVar:

NM_025000.4(DCAF17):c.322-20_322-19del

Gene: DCAF17 (DDB1 and CUL4 associated factor 17; plus strand). Cytogenetic location: 2q31.1.
Variant type: Microsatellite.
Coding change: c.322-20_322-19del on transcript NM_025000.4 (MANE Select); 20 bases into the intron before coding-DNA position 322 through 19 bases into the intron before coding-DNA position 322, 2 bases deleted (AT; older notation c.322-20_322-19delAT).
Molecular consequence: intron variant.
Genome position (GRCh38, 1-based): chr2:171,448,661-171,448,662, AT deleted; deleting any 2 consecutive bases within chr2:171,448,658-171,448,662 gives the same sequence; the c. name uses the placement nearest the transcript's 3' end. VCF-style (leftmost placement, unchanged base first): chr2-171448657-TTA-T. GRCh37 (hg19) VCF-style: chr2-172305167-TTA-T.
Other names: c.322-20_322-19del (NM_001164821.2).
Identifiers: ClinVar variation 3039368 (VCV003039368.2), dbSNP rs773743596, ClinGen allele CA1964625.

ClinVar aggregate classification (germline): Likely benign (0 of 4 stars; one submission).

Conditions:
DCAF17-related disorder. Also called: DCAF17-related condition.

Submission:

PreventionGenetics, part of Exact Sciences
Classification: Likely benign for DCAF17-related condition. Last evaluated: 2019-06-07. Review status: no assertion criteria provided. Collection method: clinical testing. Allele origin: germline.
Comment: This variant is classified as likely benign based on ACMG/AMP sequence variant interpretation guidelines (Richards et al. 2015 PMID: 25741868, with internal and published modifications).